The following is an entry in ClinVar:

ClinVar aggregate classification (germline): Benign (1 of 4 stars; one submission).

Submission:

GeneDx
Classification: Benign. Last evaluated: 2018-06-15. Review status: criteria provided, single submitter. Criteria: GeneDx Variant Classification (06012015). Collection method: clinical testing. Allele origin: germline. Affected: yes.
Comment: This variant is considered likely benign or benign based on one or more of the following criteria: it is a conservative change, it occurs at a poorly conserved position in the protein, it is predicted to be benign by multiple in silico algorithms, and/or has population frequency not consistent with disease.

NM_006440.5(TXNRD2):c.230-168_230-167del

Gene: TXNRD2 (thioredoxin reductase 2; minus strand). Cytogenetic location: 22q11.21.
Variant type: Deletion.
Coding change: c.230-168_230-167del on transcript NM_006440.5 (MANE Select); 168 bases into the intron before coding-DNA position 230 through 167 bases into the intron before coding-DNA position 230, 2 bases deleted (GT; older notation c.230-168_230-167delGT).
Molecular consequence: intron variant.
Genome position (GRCh38, 1-based): chr22:19,919,171-19,919,172, AC deleted on the plus strand (GT on the coding strand, the reverse complement: TXNRD2 is on the minus strand); deleting any 2 consecutive bases within chr22:19,919,171-19,919,173 gives the same sequence; the c. name uses the placement nearest the transcript's 3' end. VCF-style (leftmost placement, unchanged base first): chr22-19919170-AAC-A. GRCh37 (hg19) VCF-style: chr22-19906693-AAC-A.
Other names: c.227-168_227-167del (NM_001352300.2); c.-59-168_-59-167del (NM_001352302.2); c.140-168_140-167del (NM_001352301.2); c.230-168_230-167del (NM_001282512.3); c.134-168_134-167del (NM_001352303.2).
Identifiers: ClinVar variation 678661 (VCV000678661.1), dbSNP rs146802029, ClinGen allele CA322105600.